The following is an entry in ClinVar:

NM_005546.4(ITK):c.940G>A (p.Asp314Asn)

Gene: ITK (IL2 inducible T cell kinase; plus strand). Cytogenetic location: 5q33.3.
Variant type: single nucleotide variant.
Coding change: c.940G>A on transcript NM_005546.4 (MANE Select); coding-DNA position 940, G replaced by A.
Protein change: p.Asp314Asn; replaces aspartic acid 314 with asparagine.
Molecular consequence: missense variant.
Genome position (GRCh38, 1-based): chr5:157,240,150, G>A. VCF-style: chr5-157240150-G-A. GRCh37 (hg19) VCF-style: chr5-156667160-G-A.
Other names: c.940G>A (NM_005546.3); short protein forms D314N.
Identifiers: ClinVar variation 1425153 (VCV001425153.7), dbSNP rs138078237, ClinGen allele CA361958212.

ClinVar aggregate classification (germline): Uncertain significance. Review status: criteria provided, multiple submitters, no conflicts (2 of 4 stars). 2 submissions from 2 submitters: Uncertain significance (2). Last evaluated 2025-03-23.

Conditions:
ITK-related disorder. Also called: ITK-related condition.
Lymphoproliferative syndrome 1 (LPFS1). Identifiers: Orphanet 238505, Orphanet 538963, MedGen C3552634, MONDO:0013081, OMIM 613011.

gnomAD v4.1: 22 of 1,614,078 alleles (0.0014%); highest among the groups gnomAD compares: East Asian, 0.0022%; no homozygotes.

Submissions (2):

PreventionGenetics, part of Exact Sciences
Classification: Uncertain significance for ITK-related condition. Last evaluated: 2025-03-23. Review status: criteria provided, single submitter. Criteria: ACMG Guidelines, 2015. Collection method: clinical testing. Allele origin: germline.
Comment: The ITK c.940G>A variant is predicted to result in the amino acid substitution p.Asp314Asn. To our knowledge, this variant has not been reported in the literature. This variant is reported in 0.00088% of alleles in individuals of European (Non-Finnish) descent in gnomAD. At this time, the clinical significance of this variant is uncertain due to the absence of conclusive functional and genetic evidence.

Labcorp Genetics (formerly Invitae), Labcorp
Classification: Uncertain significance for Lymphoproliferative syndrome 1. Last evaluated: 2022-05-05. Review status: criteria provided, single submitter. Criteria: Invitae Variant Classification Sherloc (09022015). Collection method: clinical testing. Allele origin: germline.
Comment: This sequence change replaces aspartic acid, which is acidic and polar, with asparagine, which is neutral and polar, at codon 314 of the ITK protein (p.Asp314Asn). This variant is present in population databases (no rsID available, gnomAD 0.0009%). This variant has not been reported in the literature in individuals affected with ITK-related conditions. Advanced modeling of protein sequence and biophysical properties (such as structural, functional, and spatial information, amino acid conservation, physicochemical variation, residue mobility, and thermodynamic stability) performed at Invitae indicates that this missense variant is not expected to disrupt ITK protein function. In summary, the available evidence is currently insufficient to determine the role of this variant in disease. Therefore, it has been classified as a Variant of Uncertain Significance.